The following is an entry in ClinVar:

ClinVar aggregate classification (germline): Uncertain significance (1 of 4 stars; one submission).

gnomAD v4.1: 2 of 1,569,596 alleles (0.00013%); highest among the groups gnomAD compares: Non-Finnish European, 0.000088%; no homozygotes.

Submission:

Labcorp Genetics (formerly Invitae), Labcorp
Classification: Uncertain significance. Last evaluated: 2022-05-17. Review status: criteria provided, single submitter. Criteria: Invitae Variant Classification Sherloc (09022015). Collection method: clinical testing. Allele origin: germline.
Comment: This sequence change falls in intron 10 of the PDSS1 gene. It does not directly change the encoded amino acid sequence of the PDSS1 protein. It affects a nucleotide within the consensus splice site. This variant is not present in population databases (gnomAD no frequency). In summary, the available evidence is currently insufficient to determine the role of this variant in disease. Therefore, it has been classified as a Variant of Uncertain Significance. Variants that disrupt the consensus splice site are a relatively common cause of aberrant splicing (PMID: 17576681, 9536098). Algorithms developed to predict the effect of sequence changes on RNA splicing suggest that this variant is not likely to affect RNA splicing. This variant has not been reported in the literature in individuals affected with PDSS1-related conditions.

Literature cited by the submitters: PubMed 17576681; PubMed 9536098.

NM_014317.5(PDSS1):c.1026+3A>T

Gene: PDSS1 (decaprenyl diphosphate synthase subunit 1; plus strand). Cytogenetic location: 10p12.1.
Variant type: single nucleotide variant.
Coding change: c.1026+3A>T on transcript NM_014317.5 (MANE Select); 3 bases into the intron after coding-DNA position 1026, A replaced by T.
Molecular consequence: intron variant.
Genome position (GRCh38, 1-based): chr10:26,735,582, A>T. VCF-style: chr10-26735582-A-T. GRCh37 (hg19) VCF-style: chr10-27024511-A-T.
Other names: c.516+3A>T (NM_001321979.2); c.836-6915A>T (NM_001321978.2).
Identifiers: ClinVar variation 2077240 (VCV002077240.4), dbSNP rs1836368327, ClinGen allele CA2580081431.